The following is an entry in ClinVar:

NM_015512.5(DNAH1):c.10002del (p.Glu3336fs)

Gene: DNAH1 (dynein axonemal heavy chain 1; plus strand). Cytogenetic location: 3p21.1.
Variant type: Deletion.
Coding change: c.10002del on transcript NM_015512.5 (MANE Select); coding-DNA position 10002, one base deleted (G; older notation c.10002delG).
Protein change: p.Glu3336fs; shifts the reading frame from glutamic acid 3336.
Molecular consequence: frameshift variant.
Genome position (GRCh38, 1-based): chr3:52,391,553, G deleted. VCF-style (leftmost placement, unchanged base first): chr3-52391552-CG-C. GRCh37 (hg19) VCF-style: chr3-52425568-CG-C.
Other names: short protein forms E3336fs.
Identifiers: ClinVar variation 946368 (VCV000946368.5), dbSNP rs1704386838, ClinGen allele CA1139655789.
Genomic context (GRCh38, chr3:52,391,552, plus strand): 5'-TCCCCTACCATGAGGACTTCAGGATGTACATCACCACCAAGCTGCCCAACCCACACTACA[CG>C]CCCGAGATCTCCACCAAACTCACCCTCATCAACTTCACCCTGTCGCCCAGGTGAGCCCCC-3'

ClinVar aggregate classification (germline): Pathogenic (1 of 4 stars; one submission).

Conditions:
Spermatogenic failure 18. Identifiers: MedGen C4539783, MONDO:0054615, OMIM 617576.
Ciliary dyskinesia, primary, 37 (CILD37). Also called: CILIARY DYSKINESIA, PRIMARY, 37, WITH OR WITHOUT SITUS INVERSUS. Identifiers: MedGen C4539798, MONDO:0033204, OMIM 617577.

Allele frequency attached by ClinVar (database versions not stated): TOPMed below 0.00001.

Submission:

Labcorp Genetics (formerly Invitae), Labcorp
Classification: Pathogenic for Ciliary dyskinesia, primary, 37; Spermatogenic failure 18. Last evaluated: 2024-04-10. Review status: criteria provided, single submitter. Criteria: Invitae Variant Classification Sherloc (09022015). Collection method: clinical testing. Allele origin: germline.
Comment: This sequence change creates a premature translational stop signal (p.Glu3336Argfs*18) in the DNAH1 gene. It is expected to result in an absent or disrupted protein product. Loss-of-function variants in DNAH1 are known to be pathogenic (PMID: 27573432, 27798045). This variant is not present in population databases (gnomAD no frequency). This variant has not been reported in the literature in individuals affected with DNAH1-related conditions. ClinVar contains an entry for this variant (Variation ID: 946368). For these reasons, this variant has been classified as Pathogenic.

Literature cited by the submitters: PubMed 27573432; PubMed 27798045.